The following is an entry in ClinVar:

NM_004722.4(AP4M1):c.746G>A (p.Arg249Gln)

Gene: AP4M1 (adaptor related protein complex 4 subunit mu 1; plus strand). Cytogenetic location: 7q22.1.
Variant type: single nucleotide variant.
Coding change: c.746G>A on transcript NM_004722.4 (MANE Select); coding-DNA position 746, G replaced by A.
Protein change: p.Arg249Gln; replaces arginine 249 with glutamine.
Molecular consequence: missense variant.
Genome position (GRCh38, 1-based): chr7:100,105,258, G>A. VCF-style: chr7-100105258-G-A. GRCh37 (hg19) VCF-style: chr7-99702881-G-A.
Other names: c.767G>A, p.Arg256Gln (NM_001363671.2); short protein forms R256Q, R249Q.
Identifiers: ClinVar variation 834214 (VCV000834214.10), dbSNP rs368830741, ClinGen allele CA4374786.

ClinVar aggregate classification (germline): Uncertain significance (1 of 4 stars; one submission).

Conditions:
Hereditary spastic paraplegia 50 (SPG50). Also called: Spastic paraplegia 50, autosomal recessive. Identifiers: Orphanet 280763, MedGen C2752008, MONDO:0013048, OMIM 612936.

Allele frequency attached by ClinVar (database versions not stated): gnomAD exomes 0.00001; ExAC 0.00002; TOPMed 0.00002; ESP Exome Variant Server 0.00008.
gnomAD v4.1: 11 of 1,613,968 alleles (0.00068%); highest among the groups gnomAD compares: Middle Eastern, 0.016%; no homozygotes.

Submission:

Labcorp Genetics (formerly Invitae), Labcorp
Classification: Uncertain significance for Hereditary spastic paraplegia 50. Last evaluated: 2019-03-28. Review status: criteria provided, single submitter. Criteria: Invitae Variant Classification Sherloc (09022015). Collection method: clinical testing. Allele origin: germline.
Comment: In summary, the available evidence is currently insufficient to determine the role of this variant in disease. Therefore, it has been classified as a Variant of Uncertain Significance. Algorithms developed to predict the effect of missense changes on protein structure and function do not agree on the potential impact of this missense change (SIFT: "Tolerated"; PolyPhen-2: "Probably Damaging"; Align-GVGD: "Class C0"). This variant has not been reported in the literature in individuals with AP4M1-related disease. This variant is present in population databases (rs368830741, ExAC 0.009%). This sequence change replaces arginine with glutamine at codon 249 of the AP4M1 protein (p.Arg249Gln). The arginine residue is highly conserved and there is a small physicochemical difference between arginine and glutamine.